The following is an entry in ClinVar:

ClinVar aggregate classification (germline): Uncertain significance (1 of 4 stars; one submission).

Conditions:
Developmental and epileptic encephalopathy, 30 (DEE30). Also called: Epileptic encephalopathy, early infantile, 30. Identifiers: MedGen C4225360, MONDO:0014595, OMIM 616341.

Allele frequency attached by ClinVar (database versions not stated): gnomAD exomes below 0.00001.

Submission:

Labcorp Genetics (formerly Invitae), Labcorp
Classification: Uncertain significance for Developmental and epileptic encephalopathy, 30. Last evaluated: 2022-06-27. Review status: criteria provided, single submitter. Criteria: Invitae Variant Classification Sherloc (09022015). Collection method: clinical testing. Allele origin: germline.
Comment: In summary, the available evidence is currently insufficient to determine the role of this variant in disease. Therefore, it has been classified as a Variant of Uncertain Significance. Variants that disrupt the consensus splice site are a relatively common cause of aberrant splicing (PMID: 17576681, 9536098). Algorithms developed to predict the effect of sequence changes on RNA splicing suggest that this variant is not likely to affect RNA splicing. ClinVar contains an entry for this variant (Variation ID: 841054). This variant has not been reported in the literature in individuals affected with SIK1-related conditions. This variant is present in population databases (no rsID available, gnomAD 0.007%). This sequence change falls in intron 3 of the SIK1 gene. It does not directly change the encoded amino acid sequence of the SIK1 protein. It affects a nucleotide within the consensus splice site.

Literature cited by the submitters: PubMed 17576681; PubMed 9536098.

NM_173354.5(SIK1):c.274-3T>A

Gene: SIK1 (salt inducible kinase 1; minus strand). Cytogenetic location: 21q22.3.
Variant type: single nucleotide variant.
Coding change: c.274-3T>A on transcript NM_173354.5 (MANE Select); 3 bases into the intron before coding-DNA position 274, T replaced by A.
Molecular consequence: intron variant.
Genome position (GRCh38, 1-based): chr21:43,422,040, A>T on the plus strand (T>A on the coding strand, the complement: SIK1 is on the minus strand). VCF-style: chr21-43422040-A-T. GRCh37 (hg19) VCF-style: chr21-44841920-A-T.
Identifiers: ClinVar variation 841054 (VCV000841054.8), dbSNP rs1398334601, ClinGen allele CA749589116.
Genomic context (GRCh38, chr21:43,422,040, plus strand): 5'-TTTCTCCATTTTTAGCAAATTCAGTGACGATGTAAAGCATGTCCTTTGTTTCCATAACCT[A>T]AAGAAGAAAGACCTGACATTTAACCGCACAAAAAAGGCACAAGGCAGCGCTACAAACCAT-3'